The following is an entry in ClinVar:

ClinVar aggregate classification (germline): Benign/Likely benign. Review status: criteria provided, multiple submitters, no conflicts (2 of 4 stars). 3 submissions from 3 submitters: Benign (1); Likely benign (2). Last evaluated 2026-09-01.

Allele frequency attached by ClinVar (database versions not stated): TOPMed 0.00001; ExAC 0.00053; 1000 Genomes Project 0.00060; 1000 Genomes Project 30x 0.00062.
gnomAD v4.1: 150 of 1,599,816 alleles (0.0094%); highest among the groups gnomAD compares: South Asian, 0.15%; no homozygotes.

Submissions (3):

CeGaT Center for Human Genetics Tuebingen
Classification: Likely benign. Last evaluated: 2026-09-01. Review status: criteria provided, single submitter. Criteria: CeGaT Center For Human Genetics Tuebingen Variant Classification Criteria Version 2. Collection method: clinical testing. Allele origin: germline. Affected: yes. Observed: 1 variant allele.
Comment: HDAC4: BP4, BP7

Blueprint Genetics
Classification: Likely benign. Last evaluated: 2022-07-21. Review status: criteria provided, single submitter. Criteria: ACMG Guidelines, 2015. Collection method: clinical testing. Allele origin: germline.

Labcorp Genetics (formerly Invitae), Labcorp
Classification: Benign. Last evaluated: 2018-02-07. Review status: criteria provided, single submitter. Criteria: Invitae Variant Classification Sherloc (09022015). Collection method: clinical testing. Allele origin: germline.

NM_001378414.1(HDAC4):c.1983C>T (p.Leu661=)

Gene: HDAC4 (histone deacetylase 4; minus strand). Cytogenetic location: 2q37.3.
Variant type: single nucleotide variant.
Coding change: c.1983C>T on transcript NM_001378414.1 (MANE Select); coding-DNA position 1983, C replaced by T.
Protein change: p.Leu661=; no amino-acid change (leucine 661 retained).
Molecular consequence: synonymous variant.
Genome position (GRCh38, 1-based): chr2:239,108,179, G>A on the plus strand (C>T on the coding strand, the complement: HDAC4 is on the minus strand). VCF-style: chr2-239108179-G-A. GRCh37 (hg19) VCF-style: chr2-240029875-G-A.
Other names: c.1983C>T, p.Leu661= (NM_001378415.1); c.1968C>T, p.Leu656= (NM_001378416.1, NM_001378417.1, NM_006037.4).
Identifiers: ClinVar variation 724579 (VCV000724579.5), dbSNP rs528950090, ClinGen allele CA2199601.
Genomic context (GRCh38, chr2:239,108,179, plus strand): 5'-GGGGTGGCTGCTGCTACTCCCGCAGGTGCACTGGTGCTTCAGCATCAGCGTGTCATACAC[G>A]AGGCCTGGGGCGGGGCAGAGGGGCCAAGATCAGCGCACATCCAGGGGCGAGCCGACCACC-3'
Protein context (NP_001365343.1, residues 651-671): PPTKPRFTTG[Leu661=]VYDTLMLKHQ